The following is an entry in ClinVar:

ClinVar aggregate classification (germline): Benign (0 of 4 stars; one submission).

Conditions:
MUC16-related disorder. Also called: MUC16-related condition.

Allele frequency attached by ClinVar (database versions not stated): 1000 Genomes Project 0.03395; 1000 Genomes Project 30x 0.03435; gnomAD exomes 0.00241; ExAC 0.00740; gnomAD 0.02314; ESP Exome Variant Server 0.02395.

Submission:

PreventionGenetics, part of Exact Sciences
Classification: Benign for MUC16-related condition. Last evaluated: 2019-05-01. Review status: no assertion criteria provided. Collection method: clinical testing. Allele origin: germline.
Comment: This variant is classified as benign based on ACMG/AMP sequence variant interpretation guidelines (Richards et al. 2015 PMID: 25741868, with internal and published modifications).

NM_001401501.2(MUC16):c.38418T>C (p.Val12806=)

Gene: MUC16 (mucin 16, cell surface associated; minus strand). Cytogenetic location: 19p13.2.
Variant type: single nucleotide variant.
Coding change: c.38418T>C on transcript NM_001401501.2 (MANE Select); coding-DNA position 38418, T replaced by C.
Protein change: p.Val12806=; no amino-acid change (valine 12806 retained).
Molecular consequence: synonymous variant.
Genome position (GRCh38, 1-based): chr19:8,904,680, A>G on the plus strand (T>C on the coding strand, the complement: MUC16 is on the minus strand). VCF-style: chr19-8904680-A-G. GRCh37 (hg19) VCF-style: chr19-9015356-A-G.
Other names: c.38844T>C, p.Val12948= (NM_001414686.1); c.38298T>C, p.Val12766= (NM_001414687.1); c.38232T>C, p.Val12744= (NM_024690.2).
Identifiers: ClinVar variation 3038126 (VCV003038126.2), dbSNP rs139192313, ClinGen allele CA9164682.
Genomic context (GRCh38, chr19:8,904,680, plus strand): 5'-GCTGGCTCTTCTAAAGTCTCACCTGAGCAAGGTCAGTCTGCAGCCAGAGTACAGAGGGCC[A>G]ACACTGGTGTTCTTGAACATGGGACCAAGCTGTGGAGGAGGGAGAGAGAGGTGAGTAGGA-3'
Protein context (NP_001388430.1, residues 12796-12816): LLGPMFKNTS[Val12806=]GPLYSGCRLT